The following is an entry in ClinVar:

ClinVar aggregate classification (germline): Pathogenic (1 of 4 stars; one submission).

Conditions:
Medium-chain acyl-coenzyme A dehydrogenase deficiency (ACADMD). Also called: MCADH DEFICIENCY; MCADD; MCAD Deficiency; ACADM DEFICIENCY; CARNITINE DEFICIENCY SECONDARY TO MEDIUM-CHAIN ACYL-CoA DEHYDROGENASE DEFICIENCY; Medium chain acyl-CoA dehydrogenase deficiency. Identifiers: Orphanet 42, MedGen C0220710, MONDO:0008721, OMIM 201450.

Submission:

Labcorp Genetics (formerly Invitae), Labcorp
Classification: Pathogenic for Medium-chain acyl-coenzyme A dehydrogenase deficiency. Last evaluated: 2020-07-26. Review status: criteria provided, single submitter. Criteria: Invitae Variant Classification Sherloc (09022015). Collection method: clinical testing. Allele origin: germline.
Comment: For these reasons, this variant has been classified as Pathogenic. Advanced modeling of protein sequence and biophysical properties (such as structural, functional, and spatial information, amino acid conservation, physicochemical variation, residue mobility, and thermodynamic stability) performed at Invitae indicates that this missense variant is expected to disrupt ACADM protein function. In at least one individual the data is consistent with the variant being in trans (on the opposite chromosome) from a pathogenic variant. This variant is not present in population databases (ExAC no frequency). This sequence change replaces arginine with glycine at codon 349 of the ACADM protein (p.Arg349Gly). The arginine residue is highly conserved and there is a moderate physicochemical difference between arginine and glycine.

NM_000016.6(ACADM):c.1045C>G (p.Arg349Gly)

Gene: ACADM (acyl-CoA dehydrogenase medium chain; plus strand). Cytogenetic location: 1p31.1.
Variant type: single nucleotide variant.
Coding change: c.1045C>G on transcript NM_000016.6 (MANE Select); coding-DNA position 1045, C replaced by G.
Protein change: p.Arg349Gly; replaces arginine 349 with glycine.
Molecular consequence: missense variant.
Genome position (GRCh38, 1-based): chr1:75,761,221, C>G. VCF-style: chr1-75761221-C-G. GRCh37 (hg19) VCF-style: chr1-76226906-C-G.
Other names: c.1057C>G, p.Arg353Gly (NM_001127328.3); c.937C>G, p.Arg313Gly (NM_001286042.2); c.1144C>G, p.Arg382Gly (NM_001286043.2); c.478C>G, p.Arg160Gly (NM_001286044.2); short protein forms R160G, R313G, R349G, R353G, R382G.
Identifiers: ClinVar variation 1068571 (VCV001068571.9), dbSNP rs148207467, ClinGen allele CA340818053.
Genomic context (GRCh38, chr1:75,761,221, plus strand): 5'-AAAGTTGAACTAGCTAGAATGAGTTACCAGAGAGCAGCTTGGGAGGTTGATTCTGGTCGT[C>G]GAAATACCTATTATGCTTCTATTGCAAAGGCATTTGCTGGAGATATTGCAAATCAGTTAG-3'
Protein context (NP_000007.1, residues 339-359): RAAWEVDSGR[Arg349Gly]NTYYASIAKA